The following is an entry in ClinVar:

ClinVar aggregate classification (germline): Uncertain significance (1 of 4 stars; one submission).

Conditions:
Long QT syndrome (LQTS). Identifiers: MedGen C0023976, MeSH D008133, MONDO:0002442. Disease mechanism: loss of function. Inheritance: Various modes of inheritance.

Allele frequency attached by ClinVar (database versions not stated): gnomAD exomes below 0.00001.
gnomAD v4.1: 2 of 1,613,506 alleles (0.00012%); highest among the groups gnomAD compares: Non-Finnish European, 0.00017%; no homozygotes.

Submission:

Labcorp Genetics (formerly Invitae), Labcorp
Classification: Uncertain significance for Long QT syndrome. Last evaluated: 2022-12-15. Review status: criteria provided, single submitter. Criteria: Invitae Variant Classification Sherloc (09022015). Collection method: clinical testing. Allele origin: germline.
Comment: In summary, the available evidence is currently insufficient to determine the role of this variant in disease. Therefore, it has been classified as a Variant of Uncertain Significance. Advanced modeling of protein sequence and biophysical properties (such as structural, functional, and spatial information, amino acid conservation, physicochemical variation, residue mobility, and thermodynamic stability) performed at Invitae indicates that this missense variant is not expected to disrupt CACNA1C protein function. This variant has not been reported in the literature in individuals affected with CACNA1C-related conditions. This variant is not present in population databases (gnomAD no frequency). This sequence change replaces glutamine, which is neutral and polar, with arginine, which is basic and polar, at codon 924 of the CACNA1C protein (p.Gln924Arg).

NM_000719.7(CACNA1C):c.2771A>G (p.Gln924Arg)

Gene: CACNA1C (calcium voltage-gated channel subunit alpha1 C; plus strand). Cytogenetic location: 12p13.33.
Variant type: single nucleotide variant.
Coding change: c.2771A>G on transcript NM_000719.7 (MANE Select); coding-DNA position 2771, A replaced by G.
Protein change: p.Gln924Arg; replaces glutamine 924 with arginine.
Molecular consequence: missense variant.
Genome position (GRCh38, 1-based): chr12:2,595,981, A>G. VCF-style: chr12-2595981-A-G. GRCh37 (hg19) VCF-style: chr12-2705147-A-G.
Other names: c.2771A>G, p.Gln924Arg (NM_001129827.2, NM_001129829.2, NM_001129830.3 and 18 more transcripts); c.2762A>G, p.Gln921Arg (NM_001129844.2); short protein forms Q924R, Q921R.
Identifiers: ClinVar variation 2776906 (VCV002776906.3), dbSNP rs2516829041, ClinGen allele CA383372602.
Genomic context (GRCh38, chr12:2,595,981, plus strand): 5'-ACCTGATCCTCTTCTTCATTCTGCTCAGCAGCATTTCCCTGGCTGCTGAGGACCCGGTCC[A>G]GCACACCTCCTTCAGGAACCATGTATGCATCGCCTGTGTCTTCTGCACTCCTTCCCCCTG-3'
Protein context (NP_000710.5, residues 914-934): SISLAAEDPV[Gln924Arg]HTSFRNHILF